The following is an entry in ClinVar:

ClinVar aggregate classification (germline): Conflicting classifications of pathogenicity. Review status: criteria provided, conflicting classifications (1 of 4 stars). 3 submissions from 3 submitters: Uncertain significance (2); Likely benign (1). Last evaluated 2024-11-05.

Conditions:
Frank-Ter Haar syndrome. Also called: BORRONE DERMATOCARDIOSKELETAL SYNDROME; Borrone di Rocco Crovato syndrome; TER HAAR SYNDROME; MELNICK-NEEDLES SYNDROME, AUTOSOMAL RECESSIVE. Identifiers: Orphanet 1266, Orphanet 137834, MedGen C1855305, MONDO:0009579, OMIM 249420.

gnomAD v4.1: 87 of 1,613,734 alleles (0.0054%); highest among the groups gnomAD compares: Admixed American, 0.11%; no homozygotes.

Submissions (3):

Labcorp Genetics (formerly Invitae), Labcorp
Classification: Uncertain significance. Last evaluated: 2024-11-05. Review status: criteria provided, single submitter. Criteria: Invitae Variant Classification Sherloc (09022015). Collection method: clinical testing. Allele origin: germline.
Comment: This sequence change replaces arginine, which is basic and polar, with tryptophan, which is neutral and slightly polar, at codon 539 of the SH3PXD2B protein (p.Arg539Trp). This variant is present in population databases (rs199704139, gnomAD 0.2%). This variant has not been reported in the literature in individuals affected with SH3PXD2B-related conditions. ClinVar contains an entry for this variant (Variation ID: 1062918). An algorithm developed to predict the effect of missense changes on protein structure and function (PolyPhen-2) suggests that this variant¬†is likely to be tolerated. In summary, the available evidence is currently insufficient to determine the role of this variant in disease. Therefore, it has been classified as a Variant of Uncertain Significance.

3billion
Classification: Likely benign for Frank-Ter Haar syndrome. Last evaluated: 2024-09-20. Review status: criteria provided, single submitter. Criteria: ACMG Guidelines, 2015. Collection method: clinical testing. Allele origin: germline. Affected: no.
Comment: The homozygous variant was found in patients diagnosed with another variant in a different gene, with no symptoms related to the gene containing the homozygous variant.

Fulgent Genetics
Classification: Uncertain significance for Frank-Ter Haar syndrome. Last evaluated: 2021-12-17. Review status: criteria provided, single submitter. Criteria: ACMG Guidelines, 2015. Collection method: clinical testing. Allele origin: unknown.

NM_001017995.3(SH3PXD2B):c.1615C>T (p.Arg539Trp)

Gene: SH3PXD2B (SH3 and PX domains 2B; minus strand). Cytogenetic location: 5q35.1.
Variant type: single nucleotide variant.
Coding change: c.1615C>T on transcript NM_001017995.3 (MANE Select); coding-DNA position 1615, C replaced by T.
Protein change: p.Arg539Trp; replaces arginine 539 with tryptophan.
Molecular consequence: missense variant. On other transcripts: intron variant (1).
Genome position (GRCh38, 1-based): chr5:172,339,490, G>A on the plus strand (C>T on the coding strand, the complement: SH3PXD2B is on the minus strand). VCF-style: chr5-172339490-G-A. GRCh37 (hg19) VCF-style: chr5-171766494-G-A.
Other names: c.1188+6646C>T (NM_001308175.2); short protein forms R539W.
Identifiers: ClinVar variation 1062918 (VCV001062918.7), dbSNP rs199704139, ClinGen allele CA3561144.